The following is an entry in ClinVar:

NM_014874.4(MFN2):c.1822_1826dup (p.Leu610fs)

Gene: MFN2 (mitofusin 2; plus strand). Cytogenetic location: 1p36.22.
Variant type: Duplication.
Coding change: c.1822_1826dup on transcript NM_014874.4 (MANE Select); coding-DNA positions 1822 to 1826, 5 bases duplicated (GCCTC; older notation c.1822_1826dupGCCTC).
Protein change: p.Leu610fs; shifts the reading frame from leucine 610.
Molecular consequence: frameshift variant.
Genome position (GRCh38, 1-based): chr1:12,006,643-12,006,647, GCCTC duplicated. VCF-style (leftmost placement, unchanged base first): chr1-12006642-G-GGCCTC. GRCh37 (hg19) VCF-style: chr1-12066699-G-GGCCTC.
Other names: c.1822_1826dup, p.Leu610fs (NM_001127660.2); short protein forms L610fs.
Identifiers: ClinVar variation 3382575 (VCV003382575.2).
Genomic context (GRCh38, chr1:12,006,642, plus strand): 5'-CCCACTGCCACAGGGCTCGCTCACCCAGGAGGAGTTCATGGTTTCCATGGTTACCGGCCT[G>GGCCTC]GCCTCCTTGACATCCAGGACCTCCATGGGCATTCTTGTTGTTGGAGGAGTGGTCAGTGAC-3'

ClinVar aggregate classification (germline): Pathogenic (1 of 4 stars; one submission).

Conditions:
Charcot-Marie-Tooth disease, axonal, autosomal recessive, type 2a2b;. Also called: Charcot-Marie-Tooth disease, axonal, type 2A2B; Charcot-Marie-Tooth disease, axonal, autosomal recessive, type 2A2B. Identifiers: MedGen C4310725, MONDO:0014906, OMIM 617087.

Submission:

Juno Genomics, Hangzhou Juno Genomics, Inc
Classification: Pathogenic for Charcot-Marie-Tooth disease, axonal, autosomal recessive, type 2a2b;. Review status: criteria provided, single submitter. Criteria: ACMG Guidelines, 2015. Collection method: clinical testing. Allele origin: germline. Affected: yes.
Comment: Absent from controls (or at extremely low frequency if recessive) in Genome Aggregation Database, Exome Sequencing Project, 1000 Genomes Project, or Exome Aggregation Consortium.;Null variant in a gene where loss of function (LOF) is a known mechanism of disease.;Co-segregation with disease in multiple affected family members in a gene definitively known to cause the disease.